The following is an entry in ClinVar:

ClinVar aggregate classification (germline): Pathogenic. Review status: criteria provided, multiple submitters, no conflicts (2 of 4 stars). 10 submissions from 10 submitters: Pathogenic (9). 1 of the submissions does not count toward it. Last evaluated 2025-12-04.

Conditions:
Malaria, susceptibility to. Identifiers: Orphanet 673, MedGen C1970028, MONDO:0021024, OMIM 611162.
Anemia, nonspherocytic hemolytic, due to G6PD deficiency (CNSHA1). Also called: Class I glucose-6-phosphate dehydrogenase deficiency; ANEMIA, CONGENITAL, NONSPHEROCYTIC HEMOLYTIC, 1; Hemolytic anemia due to G6PD deficiency; Favism, susceptibility to. Identifiers: Orphanet 466026, MedGen C2720289, MONDO:0010480, OMIM 300908.
G6PD COIMBRA.

Allele frequency attached by ClinVar (database versions not stated): TOPMed 0.00002; ExAC 0.00003; 1000 Genomes Project 0.00026; gnomAD exomes 0.00003 and 0.00001; gnomAD 0.00001; 1000 Genomes Project 30x 0.00021.

Submissions (10):

Clinical Genetics Laboratory, Skane University Hospital Lund
Classification: Pathogenic for Anemia, nonspherocytic hemolytic, due to G6PD deficiency. Last evaluated: 2025-12-04. Review status: criteria provided, single submitter. Criteria: ACMG Guidelines, 2015. Collection method: clinical testing. Allele origin: germline. Affected: yes.
Comment: ACMG criteria used: PS3_supporting, PS4, PM1, PM5, PP3.

Labcorp Genetics (formerly Invitae), Labcorp
Classification: Pathogenic for Anemia, nonspherocytic hemolytic, due to G6PD deficiency. Last evaluated: 2025-06-25. Review status: criteria provided, single submitter. Criteria: Invitae Variant Classification Sherloc (09022015). Collection method: clinical testing. Allele origin: germline.
Comment: This sequence change replaces arginine, which is basic and polar, with cysteine, which is neutral and slightly polar, at codon 198 of the G6PD protein (p.Arg198Cys). This variant is present in population databases (rs137852330, gnomAD 0.02%). This missense change has been observed in individual(s) with G6PD-related conditions (PMID: 1551674, 7789945, 11499668, 16155737, 16927025). This variant is also known as G6PD Coimbra. ClinVar contains an entry for this variant (Variation ID: 10391). Invitae Evidence Modeling of protein sequence and biophysical properties (such as structural, functional, and spatial information, amino acid conservation, physicochemical variation, residue mobility, and thermodynamic stability) indicates that this missense variant is expected to disrupt G6PD protein function with a positive predictive value of 95%. Experimental studies have shown that this missense change affects G6PD function (PMID: 8118045). For these reasons, this variant has been classified as Pathogenic.

Baylor Genetics
Classification: Pathogenic for Malaria, susceptibility to. Last evaluated: 2024-02-17. Review status: criteria provided, single submitter. Criteria: ACMG Guidelines, 2015. Collection method: clinical testing. Allele origin: unknown.

Fulgent Genetics
Classification: Pathogenic for Anemia, nonspherocytic hemolytic, due to G6PD deficiency; Malaria, susceptibility to. Last evaluated: 2023-12-23. Review status: criteria provided, single submitter. Criteria: ACMG Guidelines, 2015. Collection method: clinical testing. Allele origin: germline.

Neuberg Centre For Genomic Medicine, NCGM
Classification: Pathogenic for Anemia, nonspherocytic hemolytic, due to G6PD deficiency. Last evaluated: 2023-07-22. Review status: criteria provided, single submitter. Criteria: ACMG Guidelines, 2015. Collection method: clinical testing. Allele origin: germline. Inheritance: X-linked dominant inheritance. Affected: yes.
Comment: The observed missense c.592C>Tp.Arg198Cys variant in G6PD gene has been reported previously in individuals affected with G6PD related diseases Alina MF, et al., 2020; Roca-Feltrer A, et. al., 2014; Nuchprayoon I, et. al., 2008. Experimental studies show that this variant affects G6PD function Jiang W, et. al., 2006. The p.Arg198Cys variant is present with an allele frequency of 0.003% in gnomAD Exomes database. This variant has been submitted to the ClinVar database as Pathogenic multiple submissions. The amino acid change p.Arg198Cys in G6PD is predicted as conserved by GERP++ and PhyloP across 100 vertebrates. The amino acid Arg at position 198 is changed to a Cys changing protein sequence and it might alter its composition and physico-chemical properties. Multiple lines of computational evidence Polyphen - probably damaging, SIFT -Damaging and MutationTaster - Disease causing predict a damaging effect on protein structure and function for this variant. For these reasons, this variant has been classified as Pathogenic.

Dunham Lab, University of Washington
Classification: Pathogenic for Anemia, nonspherocytic hemolytic, due to G6PD deficiency. Last evaluated: 2022-08-12. Review status: criteria provided, single submitter. Criteria: Bayesian ACMG Guidelines, 2018. Collection method: curation. Allele origin: unknown. Affected: yes.
Comment: Variant found in unrelated hemizygotes with deficiency, some with jaundice (PS4_M, PP4). Decreased activity in red blood cells (0-8%) (PS3). Located in substrate binding site (PM1). Affects same amino acid as pathogenic 198R>H (ClinVar ID 10417) and 198R>P (ClinVar ID 10394)(PM5). Predicted to be deleterious by in silico algorithms (PP3). Below expected carrier frequency in gnomAD (PM2). Reported as pathogenic by multiple clinical testing groups (PP5). Not found in gnomAD (PM2). Post_P 0.9998 (odds of pathogenicity 59154, Prior_P 0.1).

Mendelics
Classification: Pathogenic for Anemia, nonspherocytic hemolytic, due to G6PD deficiency. Last evaluated: 2022-05-27. Review status: criteria provided, single submitter. Criteria: Mendelics Assertion Criteria 2017. Collection method: clinical testing. Allele origin: unknown.

Victorian Clinical Genetics Services, Murdoch Childrens Research Institute
Classification: Pathogenic for Anemia, nonspherocytic hemolytic, due to G6PD deficiency. Last evaluated: 2021-05-06. Review status: criteria provided, single submitter. Criteria: ACMG Guidelines, 2015. Collection method: clinical testing. Allele origin: germline. Inheritance: X-linked recessive inheritance. Affected: no.
Comment: Based on the classification scheme VCGS_Germline_v1.3.4, this variant is classified as Pathogenic. Following criteria are met: 0102 - Loss of function is a known mechanism of disease in this gene and is associated with G6PD deficient hemolytic anemia (favism) (MIM#300908). (I) 0109 - This gene is associated with X-linked recessive disease. Hemizygous males and homozygous females are commonly affected, however some heterozygous female carriers can also be affected depending on X inactivation. (I) 0200 - Variant is predicted to result in a missense amino acid change from arginine to cysteine. (I) 0251 - This variant is heterozygous. (I) 0304 - Variant is present in gnomAD (v2) <0.01 for a recessive condition (3 heterozygotes, 0 homozygotes, 3 hemizygotes). (SP) 0501 - Missense variant consistently predicted to be damaging by multiple in silico tools and highly conserved with a major amino acid change. (SP) 0600 - Variant is located in the annotated NAD binding domain (DECIPHER). (I) 0801 - This variant has strong previous evidence of pathogenicity in unrelated individuals. The variant has previously been reported in multiple individuals with G6PD deficiency and is often referred to as the Coimbra (592C>T) variant. It is commonly reported in hemizygous males, however a few affected heterozygous female carriers have also been identified (ClinVar, PMIDs: 1551674, 12497642, 33051526, 33628497). (SP) 1001 - This variant has strong functional evidence supporting abnormal protein function. Hemizygous males have been reported to have undetectable or severely reduced enzyme activity, classified as class II, whereas a small number of heterozygous females have been reported with moderate G6PD deficiency, classified as class III (PMIDs: 12497642, 22293322, 33051526). (I) Legend: (SP) - Supporting pathogenic, (I) - Information, (SB) - Supporting benign

Lifecell International Pvt. Ltd
Classification: Pathogenic for Anemia, nonspherocytic hemolytic, due to G6PD deficiency. Review status: criteria provided, single submitter. Criteria: ACMG Guidelines, 2015. Collection method: clinical testing. Allele origin: germline. Inheritance: X-linked recessive inheritance. Affected: yes.
Comment: This variant in exon 6 of the G6PD gene results in the amino acid substitution from Arginine to Cystine at codon 228 (p.Arg228Cys) with the sequence change of c.682C>T (NM_000402.4). The observed variant has a minor allele frequency of 0.0000327% in gnomAD database. The reference base is conserved across the species and in-silico predictions by Polyphen and SIFT are damaging. This is a Class II variant associated with moderate G6PD deficiency (<10% activity), with intermittent hemolysis. The G6PD c.682C>T; p.Arg228Cys variant, also referred to as c.592C>T; p.Arg198Cys, commonly known as G6PD-Coimbra or Shunde or Vancouver in the literature. This variant has previously been reported for Glucose-6- phosphate dehydrogenase (G6PD) deficiency by (He Y et al., 2020 PMID: 33051526; Islam MT et al., 2018 PMID: 30097005; Lee J et al., 2018 PMID: 29548282)

OMIM
Classification: other for G6PD COIMBRA. Last evaluated: 2017-05-24. Review status: no assertion criteria provided. Collection method: literature only. Allele origin: germline. Not counted in ClinVar's aggregate classification.

Literature cited by the submitters: PubMed 1551674 (cited by 4 submitters); PubMed 7789945 (cited by Labcorp Genetics (formerly Invitae), Labcorp); PubMed 11499668 (cited by Labcorp Genetics (formerly Invitae), Labcorp); PubMed 16155737 (cited by Labcorp Genetics (formerly Invitae), Labcorp); PubMed 16927025 (cited by Labcorp Genetics (formerly Invitae), Labcorp); PubMed 8118045 (cited by Labcorp Genetics (formerly Invitae), Labcorp); PubMed 12497642 (cited by Dunham Lab, University of Washington and Victorian Clinical Genetics Services, Murdoch Childrens Research Institute); PubMed 18046504 (cited by Dunham Lab, University of Washington); PubMed 8447319 (cited by Dunham Lab, University of Washington); PubMed 25541721 (cited by Dunham Lab, University of Washington); PubMed 31863082 (cited by Dunham Lab, University of Washington); PubMed 16607506 (cited by Dunham Lab, University of Washington); PubMed 31489982 (cited by Dunham Lab, University of Washington); PubMed 31294066 (cited by Dunham Lab, University of Washington); PubMed 22293322 (cited by Victorian Clinical Genetics Services, Murdoch Childrens Research Institute); PubMed 33051526 (cited by Victorian Clinical Genetics Services, Murdoch Childrens Research Institute); PubMed 33628497 (cited by Victorian Clinical Genetics Services, Murdoch Childrens Research Institute); PubMed 18043863 (cited by OMIM).

NM_000402.4(G6PD):c.682C>T (p.Arg228Cys)

Gene: G6PD (glucose-6-phosphate dehydrogenase; minus strand). Cytogenetic location: Xq28.
Variant type: single nucleotide variant.
Coding change: c.682C>T on transcript NM_000402.4; coding-DNA position 682, C replaced by T.
Protein change: p.Arg228Cys; replaces arginine 228 with cysteine.
Molecular consequence: missense variant.
Genome position (GRCh38, 1-based): chrX:154,534,390, G>A on the plus strand (C>T on the coding strand, the complement: G6PD is on the minus strand). VCF-style: chrX-154534390-G-A. GRCh37 (hg19) VCF-style: chrX-153762605-G-A.
Other names: G6PD, ARG198CYS; G6PD Coimbra; G6PD Shunde; c.592C>T, p.Arg198Cys (NM_001042351.3, NM_001360016.2); short protein forms R198C, R228C.
Identifiers: ClinVar variation 10391 (VCV000010391.27), dbSNP rs137852330, ClinGen allele CA120998.